The following is an entry in ClinVar:

ClinVar aggregate classification (germline): Uncertain significance (1 of 4 stars; one submission).

Conditions:
Multiple endocrine neoplasia, type 2 (MEN2). Identifiers: Orphanet 653, MedGen C4048306, MONDO:0019003. Disease mechanism: gain of function.

Submission:

Labcorp Genetics (formerly Invitae), Labcorp
Classification: Uncertain significance for Multiple endocrine neoplasia, type 2. Last evaluated: 2025-08-30. Review status: criteria provided, single submitter. Criteria: Invitae Variant Classification Sherloc (09022015). Collection method: clinical testing. Allele origin: germline.
Comment: This sequence change replaces proline, which is neutral and non-polar, with histidine, which is basic and polar, at codon 1047 of the RET protein (p.Pro1047His). This variant is not present in population databases (gnomAD no frequency). This variant has not been reported in the literature in individuals affected with RET-related conditions. An algorithm developed to predict the effect of missense changes on protein structure and function (PolyPhen-2) suggests that this variant is likely to be disruptive. In summary, the available evidence is currently insufficient to determine the role of this variant in disease. Therefore, it has been classified as a Variant of Uncertain Significance.

NM_020975.6(RET):c.3140C>A (p.Pro1047His)

Gene: RET (ret proto-oncogene; plus strand). Cytogenetic location: 10q11.21.
Variant type: single nucleotide variant.
Coding change: c.3140C>A on transcript NM_020975.6 (MANE Select); coding-DNA position 3140, C replaced by A.
Protein change: p.Pro1047His; replaces proline 1047 with histidine.
Molecular consequence: missense variant. On other transcripts: intron variant (4).
Genome position (GRCh38, 1-based): chr10:43,126,675, C>A. VCF-style: chr10-43126675-C-A. GRCh37 (hg19) VCF-style: chr10-43622123-C-A.
Other names: c.2378C>A, p.Pro793His (NM_001355216.2); c.3140C>A, p.Pro1047His (NM_001406743.1, NM_001406744.1, NM_020630.7); c.3011C>A, p.Pro1004His (NM_001406761.1, NM_001406762.1, NM_001406764.1); c.3005C>A, p.Pro1002His (NM_001406763.1, NM_001406765.1); c.2852C>A, p.Pro951His (NM_001406766.1, NM_001406767.1, NM_001406770.1); c.2876C>A, p.Pro959His (NM_001406768.1); c.2744C>A, p.Pro915His (NM_001406769.1, NM_001406772.1); c.2702C>A, p.Pro901His (NM_001406771.1, NM_001406773.1); and 13 more; short protein forms P708H, P872H, P1047H, P564H, P705H, P901H, P1002H, P652H.
Identifiers: ClinVar variation 4726325 (VCV004726325.1).